The following is an entry in ClinVar:

NM_001077653.2(TBX20):c.991A>G (p.Thr331Ala)

Gene: TBX20 (T-box transcription factor 20; minus strand). Cytogenetic location: 7p14.2.
Variant type: single nucleotide variant.
Coding change: c.991A>G on transcript NM_001077653.2 (MANE Select); coding-DNA position 991, A replaced by G.
Protein change: p.Thr331Ala; replaces threonine 331 with alanine.
Molecular consequence: missense variant.
Genome position (GRCh38, 1-based): chr7:35,204,482, T>C on the plus strand (A>G on the coding strand, the complement: TBX20 is on the minus strand). VCF-style: chr7-35204482-T-C. GRCh37 (hg19) VCF-style: chr7-35244094-T-C.
Other names: short protein forms T331A.
Identifiers: ClinVar variation 1768606 (VCV001768606.4), dbSNP rs1420582400, ClinGen allele CA367263453.

ClinVar aggregate classification (germline): Uncertain significance. Review status: criteria provided, multiple submitters, no conflicts (2 of 4 stars). 2 submissions from 2 submitters: Uncertain significance (2). Last evaluated 2025-03-19.

Conditions:
Cardiovascular phenotype. Identifiers: MedGen CN230736.

Allele frequency attached by ClinVar (database versions not stated): gnomAD exomes 0.00004.
gnomAD v4.1: 55 of 1,612,014 alleles (0.0034%); highest among the groups gnomAD compares: East Asian, 0.11%; 1 homozygote.

Submissions (2):

Labcorp Genetics (formerly Invitae), Labcorp
Classification: Uncertain significance. Last evaluated: 2025-03-19. Review status: criteria provided, single submitter. Criteria: Invitae Variant Classification Sherloc (09022015). Collection method: clinical testing. Allele origin: germline.
Comment: This sequence change replaces threonine, which is neutral and polar, with alanine, which is neutral and non-polar, at codon 331 of the TBX20 protein (p.Thr331Ala). This variant is present in population databases (no rsID available, gnomAD 0.006%). This missense change has been observed in individual(s) with congenital heart disease (PMID: 26490186). ClinVar contains an entry for this variant (Variation ID: 1768606). Invitae Evidence Modeling of protein sequence and biophysical properties (such as structural, functional, and spatial information, amino acid conservation, physicochemical variation, residue mobility, and thermodynamic stability) indicates that this missense variant is not expected to disrupt TBX20 protein function with a negative predictive value of 80%. In summary, the available evidence is currently insufficient to determine the role of this variant in disease. Therefore, it has been classified as a Variant of Uncertain Significance.

Ambry Genetics
Classification: Uncertain significance for Cardiovascular phenotype. Last evaluated: 2022-09-05. Review status: criteria provided, single submitter. Criteria: Ambry Variant Classification Scheme 2023. Collection method: clinical testing. Allele origin: germline.
Comment: The p.T331A variant (also known as c.991A>G), located in coding exon 7 of the TBX20 gene, results from an A to G substitution at nucleotide position 991. The threonine at codon 331 is replaced by alanine, an amino acid with similar properties. This amino acid position is not well conserved in available vertebrate species. In addition, this alteration is predicted to be tolerated by in silico analysis. Since supporting evidence is limited at this time, the clinical significance of this alteration remains unclear.

Literature cited by the submitters: PubMed 26490186 (cited by Labcorp Genetics (formerly Invitae), Labcorp and Ambry Genetics).